The following is an entry in ClinVar:

NM_138694.4(PKHD1):c.9929_9935del (p.Thr3310fs)

Gene: PKHD1 (PKHD1 ciliary IPT domain containing fibrocystin/polyductin; minus strand). Cytogenetic location: 6p12.3.
Variant type: Deletion.
Coding change: c.9929_9935del on transcript NM_138694.4 (MANE Select); coding-DNA positions 9929 to 9935, 7 bases deleted (CAGCAGA; older notation c.9929_9935delCAGCAGA).
Protein change: p.Thr3310fs; shifts the reading frame from threonine 3310.
Molecular consequence: frameshift variant.
Genome position (GRCh38, 1-based): chr6:51,746,784-51,746,790, TCTGCTG deleted on the plus strand (CAGCAGA on the coding strand, the reverse complement: PKHD1 is on the minus strand); deleting any 7 consecutive bases within chr6:51,746,784-51,746,791 gives the same sequence; the c. name uses the placement nearest the transcript's 3' end. VCF-style (leftmost placement, unchanged base first): chr6-51746783-CTCTGCTG-C. GRCh37 (hg19) VCF-style: chr6-51611581-CTCTGCTG-C.
Other names: c.9929_9935del, p.Thr3310fs (NM_170724.3); short protein forms T3310fs.
Identifiers: ClinVar variation 4816812 (VCV004816812.1).

ClinVar aggregate classification (germline): Likely pathogenic (1 of 4 stars; one submission).

Conditions:
Autosomal recessive polycystic kidney disease (ARPKD). Also called: AR polycystic kidney disease. Identifiers: Orphanet 731, Orphanet 8378, MedGen C0085548, MeSH D017044, MONDO:0009889.

Submission:

Natera, Inc.
Classification: Likely pathogenic for Autosomal recessive polycystic kidney disease. Last evaluated: 2024-12-30. Review status: criteria provided, single submitter. Criteria: Natera Variant Classification Schema (03/2026). Collection method: clinical testing. Allele origin: germline.
Comment: The c.9929_9935del variant in PKHD1 is a frameshift variant predicted to shift the reading frame beginning at codon 3310 and leads to a stop codon 6 codons downstream. This variant is expected to result in nonsense mediated decay, truncation, or a dysfunctional protein product. This variant is rare in the general population with a frequency below the threshold expected for the associated phenotype(s). Given the available evidence, this variant is classified as Likely Pathogenic.